The following is an entry in ClinVar:

NM_053025.4(MYLK):c.5350G>A (p.Glu1784Lys)

Genes: MYLK (myosin light chain kinase; minus strand), MYLK-AS1 (MYLK antisense RNA 1; plus strand). Cytogenetic location: 3q21.1.
Variant type: single nucleotide variant.
Coding change: c.5350G>A on transcript NM_053025.4 (MANE Select); coding-DNA position 5350, G replaced by A.
Protein change: p.Glu1784Lys; replaces glutamic acid 1784 with lysine.
Molecular consequence: missense variant.
Genome position (GRCh38, 1-based): chr3:123,620,225, C>T on the plus strand (G>A on the coding strand, the complement: MYLK is on the minus strand). VCF-style: chr3-123620225-C-T. GRCh37 (hg19) VCF-style: chr3-123339072-C-T.
Other names: c.4822G>A, p.Glu1608Lys (NM_001321309.2); c.5143G>A, p.Glu1715Lys (NM_053026.4); c.5197G>A, p.Glu1733Lys (NM_053027.4); c.4990G>A, p.Glu1664Lys (NM_053028.4); c.70G>A, p.Glu24Lys (NM_053031.4, NM_053032.4); short protein forms E1608K, E1664K, E1715K, E1733K, E1784K, E24K.
Identifiers: ClinVar variation 1318576 (VCV001318576.7), dbSNP rs2107889103, ClinGen allele CA354231382.

ClinVar aggregate classification (germline): Uncertain significance. Review status: criteria provided, multiple submitters, no conflicts (2 of 4 stars). 3 submissions from 3 submitters: Uncertain significance (3). Last evaluated 2026-04-27.

Conditions:
Aortic aneurysm, familial thoracic 7 (AAT7). Also called: AORTIC DISSECTION, FAMILIAL, WITH OR WITHOUT AORTIC ANEURYSM. Identifiers: MedGen C3151077, MONDO:0013418, OMIM 613780.
Familial thoracic aortic aneurysm and aortic dissection (TAAD). Also called: Thoracic aortic aneurysms and dissections. Identifiers: Orphanet 91387, MedGen C4707243, MONDO:0019625.

Allele frequency attached by ClinVar (database versions not stated): gnomAD exomes 0.00001.
gnomAD v4.1: 8 of 1,614,132 alleles (0.0005%); highest among the groups gnomAD compares: Non-Finnish European, 0.00068%; no homozygotes.

Submissions (3):

Ambry Genetics
Classification: Uncertain significance for Familial thoracic aortic aneurysm and aortic dissection. Last evaluated: 2026-04-27. Review status: criteria provided, single submitter. Criteria: Ambry Variant Classification Scheme 2023. Collection method: clinical testing. Allele origin: germline.
Comment: The p.E1784K variant (also known as c.5350G>A), located in coding exon 29 of the MYLK gene, results from a G to A substitution at nucleotide position 5350. The glutamic acid at codon 1784 is replaced by lysine, an amino acid with similar properties. This amino acid position is conserved. In addition, the in silico prediction for this alteration is inconclusive. Based on the available evidence, the clinical significance of this variant remains unclear.

Labcorp Genetics (formerly Invitae), Labcorp
Classification: Uncertain significance for Aortic aneurysm, familial thoracic 7. Last evaluated: 2025-01-11. Review status: criteria provided, single submitter. Criteria: Invitae Variant Classification Sherloc (09022015). Collection method: clinical testing. Allele origin: germline.
Comment: This sequence change replaces glutamic acid, which is acidic and polar, with lysine, which is basic and polar, at codon 1784 of the MYLK protein (p.Glu1784Lys). This variant is not present in population databases (gnomAD no frequency). This variant has not been reported in the literature in individuals affected with MYLK-related conditions. ClinVar contains an entry for this variant (Variation ID: 1318576). Invitae Evidence Modeling of protein sequence and biophysical properties (such as structural, functional, and spatial information, amino acid conservation, physicochemical variation, residue mobility, and thermodynamic stability) indicates that this missense variant is not expected to disrupt MYLK protein function with a negative predictive value of 80%. In summary, the available evidence is currently insufficient to determine the role of this variant in disease. Therefore, it has been classified as a Variant of Uncertain Significance.

GeneDx
Classification: Uncertain significance. Last evaluated: 2019-11-20. Review status: criteria provided, single submitter. Criteria: GeneDx Variant Classification Process June 2021. Collection method: clinical testing. Allele origin: germline. Affected: yes.
Comment: Has not been previously published as pathogenic or benign to our knowledge; Not observed in large population cohorts (Lek et al., 2016); In silico analysis, which includes protein predictors and evolutionary conservation, supports that this variant does not alter protein structure/function